The following is an entry in ClinVar:

NM_024757.5(EHMT1):c.922A>C (p.Lys308Gln)

Gene: EHMT1 (euchromatic histone lysine methyltransferase 1; plus strand). Cytogenetic location: 9q34.3.
Variant type: single nucleotide variant.
Coding change: c.922A>C on transcript NM_024757.5 (MANE Select); coding-DNA position 922, A replaced by C.
Protein change: p.Lys308Gln; replaces lysine 308 with glutamine.
Molecular consequence: missense variant.
Genome position (GRCh38, 1-based): chr9:137,743,469, A>C. VCF-style: chr9-137743469-A-C. GRCh37 (hg19) VCF-style: chr9-140637921-A-C.
Other names: c.922A>C, p.Lys308Gln (NM_001145527.2, NM_001354611.2); c.829A>C, p.Lys277Gln (NM_001354259.2, NM_001354612.2); c.901A>C, p.Lys301Gln (NM_001354263.2); short protein forms K301Q, K277Q, K308Q.
Identifiers: ClinVar variation 2731446 (VCV002731446.3), dbSNP rs2541601413, ClinGen allele CA375777990.

ClinVar aggregate classification (germline): Uncertain significance (1 of 4 stars; one submission).

Conditions:
Kleefstra syndrome 1 (KLEFS1). Identifiers: Orphanet 261494, MedGen C0795833, MONDO:0027407, OMIM 610253.

Submission:

Labcorp Genetics (formerly Invitae), Labcorp
Classification: Uncertain significance for Kleefstra syndrome 1. Last evaluated: 2022-10-28. Review status: criteria provided, single submitter. Criteria: Invitae Variant Classification Sherloc (09022015). Collection method: clinical testing. Allele origin: germline.
Comment: In summary, the available evidence is currently insufficient to determine the role of this variant in disease. Therefore, it has been classified as a Variant of Uncertain Significance. Advanced modeling of protein sequence and biophysical properties (such as structural, functional, and spatial information, amino acid conservation, physicochemical variation, residue mobility, and thermodynamic stability) performed at Invitae indicates that this missense variant is not expected to disrupt EHMT1 protein function. This variant has not been reported in the literature in individuals affected with EHMT1-related conditions. This variant is not present in population databases (gnomAD no frequency). This sequence change replaces lysine, which is basic and polar, with glutamine, which is neutral and polar, at codon 308 of the EHMT1 protein (p.Lys308Gln).